The following is an entry in ClinVar:

ClinVar aggregate classification (germline): Pathogenic (1 of 4 stars; one submission).

Submission:

Labcorp Genetics (formerly Invitae), Labcorp
Classification: Pathogenic. Last evaluated: 2024-03-26. Review status: criteria provided, single submitter. Criteria: Invitae Variant Classification Sherloc (09022015). Collection method: clinical testing. Allele origin: germline.
Comment: This sequence change creates a premature translational stop signal (p.Asp1209Glyfs*38) in the ZNF469 gene. While this is not anticipated to result in nonsense mediated decay, it is expected to disrupt the last 2717 amino acid(s) of the ZNF469 protein. This variant is not present in population databases (gnomAD no frequency). This variant has not been reported in the literature in individuals affected with ZNF469-related conditions. This variant disrupts a region of the ZNF469 protein in which other variant(s) (p.Pro3556Glnfs*136) have been determined to be pathogenic (PMID: 32671420). This suggests that this is a clinically significant region of the protein, and that variants that disrupt it are likely to be disease-causing. For these reasons, this variant has been classified as Pathogenic.

Literature cited by the submitters: PubMed 32671420.

NM_001367624.2(ZNF469):c.3707dup (p.Asp1237fs)

Gene: ZNF469 (zinc finger protein 469; plus strand). Cytogenetic location: 16q24.2.
Variant type: Duplication.
Coding change: c.3707dup on transcript NM_001367624.2 (MANE Select); coding-DNA position 3707, one base duplicated (C; older notation c.3707dupC).
Protein change: p.Asp1237fs; shifts the reading frame from aspartic acid 1237.
Molecular consequence: frameshift variant.
Genome position (GRCh38, 1-based): chr16:88,431,177, C duplicated; the last of 4 consecutive C bases (chr16:88,431,174-88,431,177); duplicating any one gives the same sequence. VCF-style (leftmost placement, unchanged base first): chr16-88431173-G-GC. GRCh37 (hg19) VCF-style: chr16-88497581-G-GC.
Other names: short protein forms D1237fs.
Identifiers: ClinVar variation 3647208 (VCV003647208.2).